The following is an entry in ClinVar:

ClinVar aggregate classification (germline): Uncertain significance (1 of 4 stars; one submission).

Conditions:
Hypertrophic cardiomyopathy 26. Also called: Cardiomyopathy, familial hypertrophic, 26. Identifiers: Orphanet 75249, MedGen C4310749, MONDO:0014883, OMIM 617047.
Myofibrillar myopathy 5. Also called: FILAMINOPATHY, AUTOSOMAL DOMINANT; Filaminopathy (type). Identifiers: Orphanet 171445, MedGen C1836050, MONDO:0012289, OMIM 609524.
Distal myopathy with posterior leg and anterior hand involvement. Also called: WILLIAMS DISTAL MYOPATHY. Identifiers: Orphanet 63273, MedGen C3279722, MONDO:0013550, OMIM 614065.

gnomAD v4.1: 2 of 1,613,854 alleles (0.00012%); highest among the groups gnomAD compares: African/African-American, 0.0013%; no homozygotes.

Submission:

Labcorp Genetics (formerly Invitae), Labcorp
Classification: Uncertain significance for Distal myopathy with posterior leg and anterior hand involvement; Myofibrillar myopathy 5; Hypertrophic cardiomyopathy 26. Last evaluated: 2022-03-13. Review status: criteria provided, single submitter. Criteria: Invitae Variant Classification Sherloc (09022015). Collection method: clinical testing. Allele origin: germline.
Comment: In summary, the available evidence is currently insufficient to determine the role of this variant in disease. Therefore, it has been classified as a Variant of Uncertain Significance. Algorithms developed to predict the effect of missense changes on protein structure and function are either unavailable or do not agree on the potential impact of this missense change (SIFT: "Deleterious"; PolyPhen-2: "Probably Damaging"; Align-GVGD: "Class C0"). This variant has not been reported in the literature in individuals affected with FLNC-related conditions. This variant is present in population databases (no rsID available, gnomAD 0.0009%). This sequence change replaces serine, which is neutral and polar, with arginine, which is basic and polar, at codon 1431 of the FLNC protein (p.Ser1431Arg).

NM_001458.5(FLNC):c.4293C>A (p.Ser1431Arg)

Gene: FLNC (filamin C; plus strand). Cytogenetic location: 7q32.1.
Variant type: single nucleotide variant.
Coding change: c.4293C>A on transcript NM_001458.5 (MANE Select); coding-DNA position 4293, C replaced by A.
Protein change: p.Ser1431Arg; replaces serine 1431 with arginine.
Molecular consequence: missense variant.
Genome position (GRCh38, 1-based): chr7:128,847,701, C>A. VCF-style: chr7-128847701-C-A. GRCh37 (hg19) VCF-style: chr7-128487755-C-A.
Other names: c.4293C>A, p.Ser1431Arg (NM_001127487.2); short protein forms S1431R.
Identifiers: ClinVar variation 1902060 (VCV001902060.5), dbSNP rs376429779, ClinGen allele CA369201057.